The following is an entry in ClinVar:

NM_133259.4(LRPPRC):c.1154C>T (p.Thr385Met)

Gene: LRPPRC (leucine rich pentatricopeptide repeat containing; minus strand). Cytogenetic location: 2p21.
Variant type: single nucleotide variant.
Coding change: c.1154C>T on transcript NM_133259.4 (MANE Select); coding-DNA position 1154, C replaced by T.
Protein change: p.Thr385Met; replaces threonine 385 with methionine.
Molecular consequence: missense variant.
Genome position (GRCh38, 1-based): chr2:43,974,151, G>A on the plus strand (C>T on the coding strand, the complement: LRPPRC is on the minus strand). VCF-style: chr2-43974151-G-A. GRCh37 (hg19) VCF-style: chr2-44201290-G-A.
Other names: short protein forms T385M.
Identifiers: ClinVar variation 1418459 (VCV001418459.3), dbSNP rs182612310, ClinGen allele CA46444402.

ClinVar aggregate classification (germline): Uncertain significance (1 of 4 stars; one submission).

Allele frequency attached by ClinVar (database versions not stated): gnomAD exomes below 0.00001 and 0.00001; TOPMed 0.00002; gnomAD 0.00004; 1000 Genomes Project 30x 0.00016; 1000 Genomes Project 0.00020.
gnomAD v4.1: 25 of 1,612,956 alleles (0.0015%); highest among the groups gnomAD compares: African/African-American, 0.0053%; no homozygotes.

Submission:

Labcorp Genetics (formerly Invitae), Labcorp
Classification: Uncertain significance. Last evaluated: 2022-08-16. Review status: criteria provided, single submitter. Criteria: Invitae Variant Classification Sherloc (09022015). Collection method: clinical testing. Allele origin: germline.
Comment: This sequence change replaces threonine, which is neutral and polar, with methionine, which is neutral and non-polar, at codon 385 of the LRPPRC protein (p.Thr385Met). This variant is present in population databases (rs182612310, gnomAD 0.008%). This variant has not been reported in the literature in individuals affected with LRPPRC-related conditions. ClinVar contains an entry for this variant (Variation ID: 1418459). Algorithms developed to predict the effect of missense changes on protein structure and function output the following: SIFT: "Tolerated"; PolyPhen-2: "Benign"; Align-GVGD: "Class C0". The methionine amino acid residue is found in multiple mammalian species, which suggests that this missense change does not adversely affect protein function. Algorithms developed to predict the effect of sequence changes on RNA splicing suggest that this variant may disrupt the consensus splice site. In summary, the available evidence is currently insufficient to determine the role of this variant in disease. Therefore, it has been classified as a Variant of Uncertain Significance.